The following is an entry in ClinVar:

NM_001318852.2(MAPK8IP3):c.3179T>G (p.Val1060Gly)

Gene: MAPK8IP3 (mitogen-activated protein kinase 8 interacting protein 3; plus strand). Cytogenetic location: 16p13.3.
Variant type: single nucleotide variant.
Coding change: c.3179T>G on transcript NM_001318852.2 (MANE Select); coding-DNA position 3179, T replaced by G.
Protein change: p.Val1060Gly; replaces valine 1060 with glycine.
Molecular consequence: missense variant.
Genome position (GRCh38, 1-based): chr16:1,767,239, T>G. VCF-style: chr16-1767239-T-G. GRCh37 (hg19) VCF-style: chr16-1817240-T-G.
Other names: c.3158T>G, p.Val1053Gly (NM_001040439.2); c.3176T>G, p.Val1059Gly (NM_015133.5, NM_033392.3); short protein forms V1053G, V1059G, V1060G.
Identifiers: ClinVar variation 1708939 (VCV001708939.2), dbSNP rs2548113999, ClinGen allele CA394237441.

ClinVar aggregate classification (germline): Uncertain significance (1 of 4 stars; one submission).

Submission:

GeneDx
Classification: Uncertain significance. Last evaluated: 2022-04-08. Review status: criteria provided, single submitter. Criteria: GeneDx Variant Classification Process June 2021. Collection method: clinical testing. Allele origin: germline. Affected: yes.
Comment: Not observed at significant frequency in large population cohorts (gnomAD); In silico analysis supports that this missense variant has a deleterious effect on protein structure/function; Has not been previously published as pathogenic or benign to our knowledge